The following is an entry in ClinVar:

ClinVar aggregate classification (germline): Uncertain significance (1 of 4 stars; one submission).

Conditions:
Shprintzen-Goldberg syndrome (SGS). Also called: SHPRINTZEN-GOLDBERG CRANIOSYNOSTOSIS SYNDROME; CRANIOSYNOSTOSIS WITH ARACHNODACTYLY AND ABDOMINAL HERNIAS; Marfanoid disorder with craniosynostosis type 1; Marfanoid craniosynostosis syndrome; Shprintzen-Goldberg marfanoid syndrome. Identifiers: Orphanet 2462, MedGen C1321551, MONDO:0008426, OMIM 182212.

gnomAD v4.1: 1 of 1,595,834 alleles (0.000063%); no homozygotes.

Submission:

ARUP Laboratories, Molecular Genetics and Genomics, ARUP Laboratories
Classification: Uncertain significance for Shprintzen-Goldberg syndrome. Last evaluated: 2024-10-16. Review status: criteria provided, single submitter. Criteria: ARUP Molecular Germline Variant Investigation Process 2024. Collection method: clinical testing. Allele origin: germline.
Comment: The SKI c.1889C>T; p.Ala630Val variant (rs1435032825), to our knowledge, is not reported in the medical literature or gene specific databases. This variant is only observed on one allele in the Genome Aggregation Database (v2.1.1), indicating it is not a common polymorphism. Computational analyses are uncertain whether this variant is neutral or deleterious (REVEL: 0.492). Due to limited information, the clinical significance of this variant is uncertain at this time.

NM_003036.4(SKI):c.1889C>T (p.Ala630Val)

Gene: SKI (SKI proto-oncogene; plus strand). Cytogenetic location: 1p36.32.
Variant type: single nucleotide variant.
Coding change: c.1889C>T on transcript NM_003036.4 (MANE Select); coding-DNA position 1889, C replaced by T.
Protein change: p.Ala630Val; replaces alanine 630 with valine.
Molecular consequence: missense variant.
Genome position (GRCh38, 1-based): chr1:2,306,141, C>T. VCF-style: chr1-2306141-C-T. GRCh37 (hg19) VCF-style: chr1-2237580-C-T.
Other names: short protein forms A630V.
Identifiers: ClinVar variation 3766902 (VCV003766902.1).
Genomic context (GRCh38, chr1:2,306,141, plus strand): 5'-GTAACCTGCGGAAGGAGATCGAGCGTCTCCGCGCCGAGAACGAGAAGAAGATGAAAGAGG[C>T]CAACGAGTCACGGCTGCGCCTGAAGCGGGAGCTGGAGCAGGCGCGGCAGGCCCGGGTGTG-3'
Protein context (NP_003027.1, residues 620-640): RAENEKKMKE[Ala630Val]NESRLRLKRE